The following is an entry in ClinVar:

NM_001128228.3(TPRN):c.1525_1532del (p.Pro509fs)

Gene: TPRN (taperin; minus strand). Cytogenetic location: 9q34.3.
Variant type: Deletion.
Coding change: c.1525_1532del on transcript NM_001128228.3 (MANE Select); coding-DNA positions 1525 to 1532, 8 bases deleted (CCAGGGAC; older notation c.1525_1532delCCAGGGAC).
Protein change: p.Pro509fs; shifts the reading frame from proline 509.
Molecular consequence: frameshift variant.
Genome position (GRCh38, 1-based): chr9:137,199,180-137,199,187, GTCCCTGG deleted on the plus strand (CCAGGGAC on the coding strand, the reverse complement: TPRN is on the minus strand). VCF-style (leftmost placement, unchanged base first): chr9-137199179-AGTCCCTGG-A. GRCh37 (hg19) VCF-style: chr9-140093631-AGTCCCTGG-A.
Other names: p.Pro509SerfsTer24; short protein forms P509fs.
Identifiers: ClinVar variation 3069168 (VCV003069168.2), dbSNP rs2538729239, ClinGen allele CA2825001640.

ClinVar aggregate classification (germline): Likely pathogenic (1 of 4 stars; one submission).

Conditions:
Autosomal recessive nonsyndromic hearing loss 79. Identifiers: Orphanet 90636, MedGen C2750082, MONDO:0013215, OMIM 613307.

Submission:

Foundation for Research in Genetics and Endocrinology, FRIGE's Institute of Human Genetics
Classification: Likely pathogenic for Autosomal recessive nonsyndromic hearing loss 79. Last evaluated: 2024-04-12. Review status: criteria provided, single submitter. Criteria: ACMG Guidelines, 2015. Collection method: clinical testing. Allele origin: germline. Inheritance: Autosomal recessive inheritance. Affected: yes. Observed: 1 homozygote.
Comment: A homozygous 9 base pair del in exon 1 of the TPRN gene that results in a frameshift and premature truncation of the protein 24 amino acids downstream to codon 509 (p.Pro509SerfsTer24) was detected.This variant has not been reported in the 1000 genomes, gnomAD (v3.1), gnomdAD (v2.1), topmed and our internal databases. The in-silico prediction of the variant is damaging by Mutation Taster2. The reference region is conserved across species. In summary, the variant meets our criteria to be classified as likely pathogenic.